The following is an entry in ClinVar:

NM_004994.3(MMP9):c.658A>G (p.Thr220Ala)

Gene: MMP9 (matrix metallopeptidase 9; plus strand). Cytogenetic location: 20q13.12.
Variant type: single nucleotide variant.
Coding change: c.658A>G on transcript NM_004994.3 (MANE Select); coding-DNA position 658, A replaced by G.
Protein change: p.Thr220Ala; replaces threonine 220 with alanine.
Molecular consequence: missense variant.
Genome position (GRCh38, 1-based): chr20:46,011,151, A>G. VCF-style: chr20-46011151-A-G. GRCh37 (hg19) VCF-style: chr20-44639790-A-G.
Other names: short protein forms T220A.
Identifiers: ClinVar variation 3718796 (VCV003718796.3).

ClinVar aggregate classification (germline): Uncertain significance (1 of 4 stars; one submission).

gnomAD v4.1: 11 of 1,613,662 alleles (0.00068%); highest among the groups gnomAD compares: South Asian, 0.0055%; no homozygotes.

Submissions (2):

Labcorp Genetics (formerly Invitae), Labcorp
Classification: Uncertain significance. Last evaluated: 2025-01-18. Review status: criteria provided, single submitter. Criteria: Invitae Variant Classification Sherloc (09022015). Collection method: clinical testing. Allele origin: germline.
Comment: This sequence change replaces threonine, which is neutral and polar, with alanine, which is neutral and non-polar, at codon 220 of the MMP9 protein (p.Thr220Ala). This variant is present in population databases (rs750293045, gnomAD 0.003%). This variant has not been reported in the literature in individuals affected with MMP9-related conditions. Invitae Evidence Modeling of protein sequence and biophysical properties (such as structural, functional, and spatial information, amino acid conservation, physicochemical variation, residue mobility, and thermodynamic stability) indicates that this missense variant is not expected to disrupt MMP9 protein function with a negative predictive value of 80%. In summary, the available evidence is currently insufficient to determine the role of this variant in disease. Therefore, it has been classified as a Variant of Uncertain Significance.

Dr. Peter K. Rogan Lab, Western University
No classification provided (evidence only). Condition: Thyroid cancer, nonmedullary, 1. Review status: no classification provided. Collection method: in vitro. Allele origin: not applicable. Functional consequence: retained intron. Not counted in ClinVar's aggregate classification.